The following is an entry in ClinVar:

NM_001013838.3(CARMIL2):c.2278G>A (p.Glu760Lys)

Gene: CARMIL2 (capping protein regulator and myosin 1 linker 2; plus strand). Cytogenetic location: 16q22.1.
Variant type: single nucleotide variant.
Coding change: c.2278G>A on transcript NM_001013838.3 (MANE Select); coding-DNA position 2278, G replaced by A.
Protein change: p.Glu760Lys; replaces glutamic acid 760 with lysine.
Molecular consequence: missense variant.
Genome position (GRCh38, 1-based): chr16:67,651,280, G>A. VCF-style: chr16-67651280-G-A. GRCh37 (hg19) VCF-style: chr16-67685183-G-A.
Other names: c.2170G>A, p.Glu724Lys (NM_001317026.3); short protein forms E760K, E724K.
Identifiers: ClinVar variation 1522219 (VCV001522219.8), dbSNP rs781431726, ClinGen allele CA8113736.
Genomic context (GRCh38, chr16:67,651,280, plus strand): 5'-CATGTGGAGCTGCTGGGCTGTGGGGCTGGGCCCCAGGGTGAAGCCGCTGTGCGCCAGGCC[G>A]AGGATGCCATCCAAAATGCCAACTTCTCTCTCAGCGTGAGCACTCCCCCTCCTGCTACAA-3'
Protein context (NP_001013860.1, residues 750-770): PQGEAAVRQA[Glu760Lys]DAIQNANFSL

ClinVar aggregate classification (germline): Uncertain significance (1 of 4 stars; one submission).

Allele frequency attached by ClinVar (database versions not stated): ExAC 0.00001; gnomAD exomes 0.00001.
gnomAD v4.1: 10 of 1,613,576 alleles (0.00062%); highest among the groups gnomAD compares: Admixed American, 0.0017%; no homozygotes.

Submission:

Labcorp Genetics (formerly Invitae), Labcorp
Classification: Uncertain significance. Last evaluated: 2023-05-23. Review status: criteria provided, single submitter. Criteria: Invitae Variant Classification Sherloc (09022015). Collection method: clinical testing. Allele origin: germline.
Comment: This sequence change replaces glutamic acid, which is acidic and polar, with lysine, which is basic and polar, at codon 760 of the CARMIL2 protein (p.Glu760Lys). This variant is present in population databases (rs781431726, gnomAD 0.003%). This variant has not been reported in the literature in individuals affected with CARMIL2-related conditions. ClinVar contains an entry for this variant (Variation ID: 1522219). Advanced modeling of protein sequence and biophysical properties (such as structural, functional, and spatial information, amino acid conservation, physicochemical variation, residue mobility, and thermodynamic stability) performed at Invitae indicates that this missense variant is not expected to disrupt CARMIL2 protein function. In summary, the available evidence is currently insufficient to determine the role of this variant in disease. Therefore, it has been classified as a Variant of Uncertain Significance.